The following is an entry in ClinVar:

NM_170606.3(KMT2C):c.7443-21_7443-6del

Gene: KMT2C (lysine methyltransferase 2C; minus strand). Cytogenetic location: 7q36.1.
Variant type: Deletion.
Coding change: c.7443-21_7443-6del on transcript NM_170606.3 (MANE Select); 21 bases into the intron before coding-DNA position 7443 through 6 bases into the intron before coding-DNA position 7443, 16 bases deleted (TTTTTTTTTTTTTTTT).
Molecular consequence: intron variant.
Genome position (GRCh38, 1-based): chr7:152,178,016-152,178,031, AAAAAAAAAAAAAAAA deleted on the plus strand (TTTTTTTTTTTTTTTT on the coding strand, the reverse complement: KMT2C is on the minus strand); deleting any 16 consecutive bases within chr7:152,178,016-152,178,042 gives the same sequence; the c. name uses the placement nearest the transcript's 3' end. VCF-style (leftmost placement, unchanged base first): chr7-152178015-TAAAAAAAAAAAAAAAA-T. GRCh37 (hg19) VCF-style: chr7-151875100-TAAAAAAAAAAAAAAAA-T.
Identifiers: ClinVar variation 2230349 (VCV002230349.4), dbSNP rs746018833, ClinGen allele CA835337222.
Genomic context (GRCh38, chr7:152,178,015, plus strand): 5'-CAAGGAAGCGCTCTTGACTCGGCATGGTACCATGACTACCTCCTGGAAATCCAAATCTTT[TAAAAAAAAAAAAAAAA>T]AAAAAAAAAAAGCAAATAGGTATTATGTTAAATTTAGAGTTAAGTTGAAAAAAAGAAAAG-3'

ClinVar aggregate classification (germline): Conflicting classifications of pathogenicity. Review status: criteria provided, conflicting classifications (1 of 4 stars). 2 submissions from 2 submitters: Uncertain significance (1); Likely benign (1). Last evaluated 2025-10-26.

Conditions:
Inborn genetic diseases. Identifiers: MedGen C0950123, MeSH D030342.

Submissions (2):

Labcorp Genetics (formerly Invitae), Labcorp
Classification: Likely benign. Last evaluated: 2025-10-26. Review status: criteria provided, single submitter. Criteria: Invitae Variant Classification Sherloc (09022015). Collection method: clinical testing. Allele origin: germline.

Ambry Genetics
Classification: Uncertain significance for Inborn genetic diseases. Last evaluated: 2021-04-07. Review status: criteria provided, single submitter. Criteria: Ambry Variant Classification Scheme 2023. Collection method: clinical testing. Allele origin: germline.
Comment: The c.7443-21_7443-6del16 alteration is located in Intron 37 (E) of the KMT2C gene. This alteration consists of a deletion of 16 nucleotides between nucleotide positions c.7443-21 and c.7443-6 Intron 37 (E). Based on insufficient or conflicting evidence, the clinical significance of this alteration remains unclear.